The following is an entry in ClinVar:

ClinVar aggregate classification (germline): Pathogenic/Likely pathogenic. Review status: criteria provided, multiple submitters, no conflicts (2 of 4 stars). 11 submissions from 11 submitters: Pathogenic (9); Likely pathogenic (2). Last evaluated 2025-12-12.

Conditions:
Familial colorectal cancer type X. Identifiers: Orphanet 440437, MedGen C3896578, MONDO:0018604.
Ataxia-telangiectasia syndrome (AT). Also called: Ataxia telangiectasia (A-T); LOUIS-BAR SYNDROME; Cerebello-oculocutaneous telangiectasia; Immunodeficiency with ataxia telangiectasia; ATAXIA-TELANGIECTASIA, COMPLEMENTATION GROUP A; ATAXIA-TELANGIECTASIA, FRESNO VARIANT. Identifiers: Orphanet 100, MedGen C0004135, MONDO:0008840, OMIM 208900.
Familial cancer of breast. Also called: hereditary breast carcinoma; BREAST CANCER, FAMILIAL; Hereditary breast cancer. Identifiers: Orphanet 227535, MedGen C0346153, MONDO:0016419, OMIM 114480. Disease mechanism: loss of function.
Hereditary cancer-predisposing syndrome. Also called: Tumor predisposition; Hereditary Cancer Syndrome; Hereditary neoplastic syndrome; Neoplastic Syndromes, Hereditary. Identifiers: Orphanet 140162, MedGen C0027672, MeSH D009386, MONDO:0015356.

Allele frequency attached by ClinVar (database versions not stated): gnomAD exomes below 0.00001.
gnomAD v4.1: 3 of 1,613,846 alleles (0.00019%); highest among the groups gnomAD compares: South Asian, 0.0022%; no homozygotes.

Submissions (11):

Natera, Inc.
Classification: Pathogenic for Ataxia-telangiectasia. Last evaluated: 2025-12-12. Review status: criteria provided, single submitter. Criteria: Natera Variant Classification Schema (03/2026). Collection method: clinical testing. Allele origin: germline.
Comment: The c.2672C>G variant in ATM is a nonsense variant predicted to introduce a stop codon at amino acid 891. This variant is expected to result in nonsense mediated decay, truncation, or a dysfunctional protein product. This variant is rare in the general population with a frequency below the threshold expected for the associated phenotype(s). This variant has been observed in one or more individuals affected with the associated recessive disease, as either homozygous or compound heterozygous with a second variant (PMID: 21665257). Given the available evidence, this variant is classified as Pathogenic.

Labcorp Genetics (formerly Invitae), Labcorp
Classification: Pathogenic for Ataxia-telangiectasia syndrome. Last evaluated: 2025-11-03. Review status: criteria provided, single submitter. Criteria: Invitae Variant Classification Sherloc (09022015). Collection method: clinical testing. Allele origin: germline.
Comment: This sequence change creates a premature translational stop signal (p.Ser891*) in the ATM gene. It is expected to result in an absent or disrupted protein product. Loss-of-function variants in ATM are known to be pathogenic (PMID: 23807571, 25614872). This variant is not present in population databases (gnomAD no frequency). This variant has not been reported in the literature in individuals affected with ATM-related conditions. ClinVar contains an entry for this variant (Variation ID: 233991). For these reasons, this variant has been classified as Pathogenic.

Ambry Genetics
Classification: Pathogenic for Hereditary cancer-predisposing syndrome. Last evaluated: 2025-10-22. Review status: criteria provided, single submitter. Criteria: Ambry Variant Classification Scheme 2023. Collection method: clinical testing. Allele origin: germline.
Comment: The p.S891* pathogenic mutation (also known as c.2672C>G), located in coding exon 17 of the ATM gene, results from a C to G substitution at nucleotide position 2672. This changes the amino acid from a serine to a stop codon within coding exon 17. This variant is considered to be rare based on population cohorts in the Genome Aggregation Database (gnomAD). This alteration is expected to result in loss of function by premature protein truncation or nonsense-mediated mRNA decay. As such, this alteration is interpreted as a disease-causing mutation.

GeneDx
Classification: Pathogenic. Last evaluated: 2025-09-11. Review status: criteria provided, single submitter. Criteria: GeneDx Variant Classification Process June 2021. Collection method: clinical testing. Allele origin: germline. Affected: yes.
Comment: Reported with a second variant in ATM in a patient with clinical features of ataxia telangiectasia in published literature (PMID: 21665257); Nonsense variant predicted to result in protein truncation or nonsense mediated decay in a gene for which loss of function is a known mechanism of disease; Truncating variants in this gene are considered pathogenic by a well-established clinical consortium and/or database; Not observed at significant frequency in large population cohorts (gnomAD); This variant is associated with the following publications: (PMID: 28888541, 21665257, 37450374)

Color Diagnostics, LLC DBA Color Health
Classification: Pathogenic for Hereditary cancer-predisposing syndrome. Last evaluated: 2025-05-06. Review status: criteria provided, single submitter. Criteria: ACMG Guidelines, 2015. Collection method: clinical testing. Allele origin: germline.
Comment: This variant changes 1 nucleotide in exon 18/63 of the ATM gene, creating a premature translation stop signal. This variant is expected to result in an absent or non-functional protein product. This variant has been observed with a second pathogenic ATM variant in unknown phase in an individual affected with autosomal recessive Ataxia Telangiectasia (PMID: 21665257). This variant has also been observed in an individual affected with ovarian cancer, an individual affected with acute myeloid leukemia, and an individual with a personal and/or family history of an unspecified cancer (PMID: 28888541, 36290365, 37450374). This variant has not been identified in the general population by the Genome Aggregation Database (gnomAD). Loss of ATM function is a known mechanism of disease. Based on the available evidence, this variant is classified as Pathogenic.

Molecular Diagnostics Laboratory, Catalan Institute of Oncology
Classification: Pathogenic for Hereditary cancer-predisposing syndrome. Last evaluated: 2025-05-06. Review status: criteria provided, single submitter. Criteria: ClinGen ACMG Specifications ATM V1.1.0. Collection method: clinical testing. Allele origin: germline.
Comment: PVS1, PM2_Supporting, PM5_Supporting c.2672C>G, located in exon 18 of the ATM gene, is a nonsense variant expected to result in loss of function by premature protein truncation and nonsense-mediated mRNA decay (PVS1). This is a truncating variant with a premature termination upstream codon 3047 (PM5_Supporting). It is not present in the population database gnomAD v2.1.1, non-cancer dataset (PM2_Supporting). The SpliceAI algorithm predicts no significant impact on splicing. To our knowledge, neither relevant clinical data nor well-established functional studies have been reported for this variant. This variant has been reported in the ClinVar database (7x pathogenic, 2x likely pathogenic) and the LOVD database (2x pathogenic). Based on currently available information, the variant c.2672C>G should be considered a pathogenic variant according to ACMG Classification Rules Specified for ATM v1.1.

Department of Pathology and Laboratory Medicine, Sinai Health System
Classification: Likely pathogenic for Familial colorectal cancer type X. Last evaluated: 2024-06-24. Review status: criteria provided, single submitter. Criteria: ACMG Guidelines, 2015. Collection method: clinical testing. Allele origin: germline. Affected: yes.

Fulgent Genetics
Classification: Likely pathogenic for Familial cancer of breast; Ataxia-telangiectasia syndrome. Last evaluated: 2024-02-17. Review status: criteria provided, single submitter. Criteria: ACMG Guidelines, 2015. Collection method: clinical testing. Allele origin: germline.

Myriad Genetics, Inc.
Classification: Pathogenic for Familial cancer of breast. Last evaluated: 2024-01-18. Review status: criteria provided, single submitter. Criteria: Myriad Autosomal Dominant, Autosomal Recessive and X-Linked Classification Criteria (2023). Collection method: clinical testing. Allele origin: unknown.
Comment: This variant is considered pathogenic. This variant creates a termination codon and is predicted to result in premature protein truncation.

Victorian Clinical Genetics Services, Murdoch Childrens Research Institute
Classification: Pathogenic for Familial cancer of breast. Last evaluated: 2023-07-17. Review status: criteria provided, single submitter. Criteria: ACMG Guidelines, 2015. Collection method: clinical testing. Allele origin: germline. Inheritance: Autosomal dominant inheritance. Affected: no.
Comment: Based on the classification scheme VCGS_Germline_v1.3.4, this variant is classified as Pathogenic. Following criteria are met: 0102 - Loss of function is a known mechanism of disease in this gene and is associated with ataxia-telangiectasia (AT; MIM#208900) and susceptibility to breast cancer (MIM#114480). (I) 0108 - This gene is associated with both recessive and dominant disease. Biallelic variants in this gene result in ataxia-telangiectasia; however, heterozygous carriers of specific pathogenic variants have an increased risk of breast cancer (PMID: 27595995). Germline variants in this gene may also contribute to increased risk of other cancers including gastric, colorectal, and pancreatic cancers, however the risk is not well-established at this stage (PMIDs: 22585167, 27978560, 26506520). (I) 0115 - Variants in this gene are known to have variable expressivity with regard to ataxia-telangiectasia. Variable age of onset and rate of disease progression have been reported for affected individuals within the same family (PMIDs: 20301790, 27884168). (I) 0201 - Variant is predicted to cause nonsense-mediated decay (NMD) and loss of protein (premature termination codon is located at least 54 nucleotides upstream of the final exon-exon junction). (SP) 0251 - This variant is heterozygous. (I) 0301 - Variant is absent from gnomAD (both v2 and v3). (SP) 0701 - Other variants comparable to the one identified in this case have very strong previous evidence for pathogenicity. These variants have been reported many times as pathogenic (DECIPHER). (SP) 0802 - This variant has moderate previous evidence of pathogenicity in unrelated individuals. This variant has been reported as pathogenic, and observed in a breast cancer cell line which also had a BRCA2 variant (ClinVar, PMID: 30370249). (I) Legend: (SP) - Supporting pathogenic, (I) - Information, (SB) - Supporting benign

Baylor Genetics
Classification: Pathogenic for Familial cancer of breast. Last evaluated: 2021-11-28. Review status: criteria provided, single submitter. Criteria: ACMG Guidelines, 2015. Collection method: clinical testing. Allele origin: unknown.

Literature cited by the submitters: PubMed 21665257 (cited by Natera, Inc. and Color Diagnostics, LLC DBA Color Health); PubMed 23807571 (cited by Labcorp Genetics (formerly Invitae), Labcorp); PubMed 25614872 (cited by Labcorp Genetics (formerly Invitae), Labcorp); PubMed 28888541 (cited by Color Diagnostics, LLC DBA Color Health); PubMed 36290365 (cited by Color Diagnostics, LLC DBA Color Health); PubMed 37450374 (cited by Color Diagnostics, LLC DBA Color Health); PubMed 20301790 (cited by Victorian Clinical Genetics Services, Murdoch Childrens Research Institute); PubMed 22585167 (cited by Victorian Clinical Genetics Services, Murdoch Childrens Research Institute); PubMed 26506520 (cited by Victorian Clinical Genetics Services, Murdoch Childrens Research Institute); PubMed 27595995 (cited by Victorian Clinical Genetics Services, Murdoch Childrens Research Institute); PubMed 27884168 (cited by Victorian Clinical Genetics Services, Murdoch Childrens Research Institute); PubMed 27978560 (cited by Victorian Clinical Genetics Services, Murdoch Childrens Research Institute); PubMed 30370249 (cited by Victorian Clinical Genetics Services, Murdoch Childrens Research Institute).

NM_000051.4(ATM):c.2672C>G (p.Ser891Ter)

Gene: ATM (ATM serine/threonine kinase; plus strand). Cytogenetic location: 11q22.3.
Variant type: single nucleotide variant.
Coding change: c.2672C>G on transcript NM_000051.4 (MANE Select); coding-DNA position 2672, C replaced by G.
Protein change: p.Ser891Ter; replaces serine 891 with a stop codon.
Molecular consequence: nonsense.
Genome position (GRCh38, 1-based): chr11:108,268,443, C>G. VCF-style: chr11-108268443-C-G. GRCh37 (hg19) VCF-style: chr11-108139170-C-G.
Other names: c.2672C>G, p.Ser891Ter (NM_001351834.2); short protein forms S891*.
Identifiers: ClinVar variation 233991 (VCV000233991.23), dbSNP rs876660780, ClinGen allele CA10579065.